The following is an entry in ClinVar:

ClinVar aggregate classification (germline): Uncertain significance (1 of 4 stars; one submission).

Conditions:
Inborn genetic diseases. Identifiers: MedGen C0950123, MeSH D030342.

Submission:

Ambry Genetics
Classification: Uncertain significance for Inborn genetic diseases. Last evaluated: 2017-02-13. Review status: criteria provided, single submitter. Criteria: Ambry Variant Classification Scheme 2023. Collection method: clinical testing. Allele origin: germline.
Comment: The p.G76E variant (also known as c.227G>A), located in coding exon 1 of the TBR1 gene, results from a G to A substitution at nucleotide position 227. The glycine at codon 76 is replaced by glutamic acid, an amino acid with similar properties. This amino acid position is well conserved in available vertebrate species. In addition, the in silico prediction for this alteration is inconclusive. Since supporting evidence is limited at this time, the clinical significance of this alteration remains unclear.

NM_006593.4(TBR1):c.227G>A (p.Gly76Glu)

Gene: TBR1 (T-box brain transcription factor 1; plus strand). Cytogenetic location: 2q24.2.
Variant type: single nucleotide variant.
Coding change: c.227G>A on transcript NM_006593.4 (MANE Select); coding-DNA position 227, G replaced by A.
Protein change: p.Gly76Glu; replaces glycine 76 with glutamic acid.
Molecular consequence: missense variant.
Genome position (GRCh38, 1-based): chr2:161,416,637, G>A. VCF-style: chr2-161416637-G-A. GRCh37 (hg19) VCF-style: chr2-162273148-G-A.
Other names: short protein forms G76E.
Identifiers: ClinVar variation 589535 (VCV000589535.5), dbSNP rs1559059861, ClinGen allele CA349210936.